The following is an entry in ClinVar:

ClinVar aggregate classification (germline): Uncertain significance (1 of 4 stars; one submission).

Conditions:
Glycogen storage disease, type II (IOPD). Also called: Pompe Disease; CARDIOMEGALIA GLYCOGENICA DIFFUSA; GLYCOGENOSIS, GENERALIZED, CARDIAC FORM; GSD II; POMPE DISEASE, INFANTILE-ONSET; GLYCOGEN STORAGE DISEASE II, INFANTILE-ONSET. Identifiers: Orphanet 365, MedGen C0017921, MONDO:0009290, OMIM 232300.

Submission:

Genomenon, Inc
Classification: Uncertain significance for Glycogen storage disease, type II. Last evaluated: 2026-07-01. Review status: criteria provided, single submitter. Criteria: Genomenon Sequence Variant Interpretation Standards - Updated. Collection method: curation. Allele origin: germline.
Comment: GAA p.Asn403Lys (c.1209C>G) is a missense variant that changes the amino acid at codon 403 from Asparagine to Lysine. This variant has been reported in the published literature (PMID:34530085). It is absent or not present at a significant frequency in gnomAD. In conclusion, we classify GAA p.Asn403Lys (c.1209C>G) as a variant of uncertain significance.

Literature cited by the submitters: PubMed 34530085.

NM_000152.5(GAA):c.1209C>G (p.Asn403Lys)

Gene: GAA (alpha glucosidase; plus strand). Cytogenetic location: 17q25.3.
Variant type: single nucleotide variant.
Coding change: c.1209C>G on transcript NM_000152.5 (MANE Select); coding-DNA position 1209, C replaced by G.
Protein change: p.Asn403Lys; replaces asparagine 403 with lysine.
Molecular consequence: missense variant.
Genome position (GRCh38, 1-based): chr17:80,108,711, C>G. VCF-style: chr17-80108711-C-G. GRCh37 (hg19) VCF-style: chr17-78082510-C-G.
Other names: c.1209C>G, p.Asn403Lys (NM_001079803.3, NM_001079804.3, NM_001406741.1 and 1 more transcripts); short protein forms N403K.
Identifiers: ClinVar variation 4876616 (VCV004876616.1).